The following is an entry in ClinVar:

NC_000006.11:g.(?_108192908)_(108279213_?)dup

Gene: SEC63 (SEC63 homolog, protein translocation regulator; minus strand). Cytogenetic location: 6q21.
Variant type: Duplication.
Identifiers: ClinVar variation 2425700 (VCV002425700.4).

ClinVar aggregate classification (germline): Uncertain significance (1 of 4 stars; one submission).

Submission:

Labcorp Genetics (formerly Invitae), Labcorp
Classification: Uncertain significance. Last evaluated: 2022-07-08. Review status: criteria provided, single submitter. Criteria: Invitae Variant Classification Sherloc (09022015). Collection method: clinical testing. Allele origin: germline.
Comment: A copy number gain of the genomic region encompassing the full coding sequence of the SEC63 gene has been identified. The boundaries of this event are unknown as they extend beyond the assayed region for this gene and therefore may encompass additional genes. As the precise location of this event is unknown, it may be in tandem or it may be located elsewhere in the genome. This variant has not been reported in the literature in individuals affected with SEC63-related conditions. In summary, the available evidence is currently insufficient to determine the role of this variant in disease. Therefore, it has been classified as a Variant of Uncertain Significance.